The following is an entry in ClinVar:

NM_014244.5(ADAMTS2):c.1049A>G (p.Gln350Arg)

Gene: ADAMTS2 (ADAM metallopeptidase with thrombospondin type 1 motif 2; minus strand). Cytogenetic location: 5q35.3.
Variant type: single nucleotide variant.
Coding change: c.1049A>G on transcript NM_014244.5 (MANE Select); coding-DNA position 1049, A replaced by G.
Protein change: p.Gln350Arg; replaces glutamine 350 with arginine.
Molecular consequence: missense variant.
Genome position (GRCh38, 1-based): chr5:179,158,806, T>C on the plus strand (A>G on the coding strand, the complement: ADAMTS2 is on the minus strand). VCF-style: chr5-179158806-T-C. GRCh37 (hg19) VCF-style: chr5-178585807-T-C.
Other names: c.1049A>G, p.Gln350Arg (NM_021599.4); short protein forms Q350R.
Identifiers: ClinVar variation 1517262 (VCV001517262.5), dbSNP rs2113265082, ClinGen allele CA362406834.

ClinVar aggregate classification (germline): Uncertain significance (1 of 4 stars; one submission).

Conditions:
Ehlers-Danlos syndrome, dermatosparaxis type. Also called: EDS VIIC; Ehlers-Danlos syndrome, type VII, autosomal recessive; Dermatosparaxis. Identifiers: Orphanet 1901, MedGen C2700425, MONDO:0009161, OMIM 225410.

Allele frequency attached by ClinVar (database versions not stated): gnomAD exomes below 0.00001.
gnomAD v4.1: 1 of 1,614,234 alleles (0.000062%); highest among the groups gnomAD compares: Admixed American, 0.0017%; no homozygotes.

Submission:

Labcorp Genetics (formerly Invitae), Labcorp
Classification: Uncertain significance for Ehlers-Danlos syndrome, dermatosparaxis type. Last evaluated: 2022-10-27. Review status: criteria provided, single submitter. Criteria: Invitae Variant Classification Sherloc (09022015). Collection method: clinical testing. Allele origin: germline.
Comment: This sequence change replaces glutamine, which is neutral and polar, with arginine, which is basic and polar, at codon 350 of the ADAMTS2 protein (p.Gln350Arg). This variant is not present in population databases (gnomAD no frequency). This variant has not been reported in the literature in individuals affected with ADAMTS2-related conditions. ClinVar contains an entry for this variant (Variation ID: 1517262). Algorithms developed to predict the effect of missense changes on protein structure and function output the following: SIFT: "Tolerated"; PolyPhen-2: "Benign"; Align-GVGD: "Class C0". The arginine amino acid residue is found in multiple mammalian species, which suggests that this missense change does not adversely affect protein function. In summary, the available evidence is currently insufficient to determine the role of this variant in disease. Therefore, it has been classified as a Variant of Uncertain Significance.